The following is an entry in ClinVar:

ClinVar aggregate classification (germline): Likely benign (0 of 4 stars; one submission).

Conditions:
RBM28-related disorder. Also called: RBM28-related condition.

Allele frequency attached by ClinVar (database versions not stated): gnomAD exomes 0.00001.
gnomAD v4.1: 6 of 1,611,592 alleles (0.00037%); highest among the groups gnomAD compares: South Asian, 0.0033%; no homozygotes.

Submission:

PreventionGenetics, part of Exact Sciences
Classification: Likely benign for RBM28-related condition. Last evaluated: 2019-06-28. Review status: no assertion criteria provided. Collection method: clinical testing. Allele origin: germline.
Comment: This variant is classified as likely benign based on ACMG/AMP sequence variant interpretation guidelines (Richards et al. 2015 PMID: 25741868, with internal and published modifications).

NM_018077.3(RBM28):c.396A>G (p.Thr132=)

Gene: RBM28 (RNA binding motif protein 28; minus strand). Cytogenetic location: 7q32.1.
Variant type: single nucleotide variant.
Coding change: c.396A>G on transcript NM_018077.3 (MANE Select); coding-DNA position 396, A replaced by G.
Protein change: p.Thr132=; no amino-acid change (threonine 132 retained).
Molecular consequence: synonymous variant. On other transcripts: intron variant (1).
Genome position (GRCh38, 1-based): chr7:128,338,778, T>C on the plus strand (A>G on the coding strand, the complement: RBM28 is on the minus strand). VCF-style: chr7-128338778-T-C. GRCh37 (hg19) VCF-style: chr7-127978832-T-C.
Other names: c.119-1576A>G (NM_001166135.2).
Identifiers: ClinVar variation 3043168 (VCV003043168.2), dbSNP rs771503778, ClinGen allele CA166122710.